The following is an entry in ClinVar:

ClinVar aggregate classification (germline): Likely pathogenic (1 of 4 stars; one submission).

Conditions:
Dilated cardiomyopathy 1G (CMD1G). Identifiers: Orphanet 154, MedGen C1858763, MONDO:0011400, OMIM 604145.
Autosomal recessive limb-girdle muscular dystrophy type 2J (LGMDR10). Also called: Limb-girdle muscular dystrophy, type 2J; MUSCULAR DYSTROPHY, LIMB-GIRDLE, AUTOSOMAL RECESSIVE 10. Identifiers: Orphanet 140922, MedGen C1837342, MONDO:0012127, OMIM 608807.

Submission:

Labcorp Genetics (formerly Invitae), Labcorp
Classification: Likely pathogenic for Dilated cardiomyopathy 1G; Autosomal recessive limb-girdle muscular dystrophy type 2J. Last evaluated: 2026-01-27. Review status: criteria provided, single submitter. Criteria: Invitae Variant Classification Sherloc (09022015). Collection method: clinical testing. Allele origin: germline.
Comment: This sequence change creates a premature translational stop signal (p.Glu23326Serfs*4) in the TTN gene. While this is not anticipated to result in nonsense mediated decay, it is expected to create a truncated TTN protein. This variant is not present in population databases (gnomAD no frequency). This variant has not been reported in the literature in individuals affected with TTN-related conditions. ClinVar contains an entry for this variant (Variation ID: 2946975). This variant is located in the A band of TTN (PMID: 25589632). Truncating variants in this region are significantly overrepresented in patients affected with dilated cardiomyopathy (PMID: 25589632). Truncating variants in this region have also been reported in individuals affected with autosomal recessive centronuclear myopathy (PMID: 23975875). In summary, the currently available evidence indicates that the variant is pathogenic, but additional data are needed to prove that conclusively. Therefore, this variant has been classified as Likely Pathogenic.

Literature cited by the submitters: PubMed 25589632; PubMed 23975875.

NM_001267550.2(TTN):c.69972del (p.Glu23326fs)

Genes: TTN (titin; minus strand), TTN-AS1 (TTN antisense RNA 1; plus strand), LOC126806422 (BRD4-independent group 4 enhancer GRCh37_chr2:179440205-179441404; plus strand). Cytogenetic location: 2q31.2.
Variant type: Deletion.
Coding change: c.69972del on transcript NM_001267550.2 (MANE Select); coding-DNA position 69972, one base deleted (T; older notation c.69972delT).
Protein change: p.Glu23326fs; shifts the reading frame from glutamic acid 23326.
Molecular consequence: frameshift variant.
Genome position (GRCh38, 1-based): chr2:178,576,160, A deleted on the plus strand (T on the coding strand, the reverse complement: TTN is on the minus strand); the first of 2 consecutive A bases (chr2:178,576,160-178,576,161); deleting either gives the same sequence. VCF-style (leftmost placement, unchanged base first): chr2-178576159-CA-C. GRCh37 (hg19) VCF-style: chr2-179440886-CA-C.
Other names: c.65049del, p.Glu21685fs (NM_001256850.1); c.42777del, p.Glu14261fs (NM_003319.4); c.62268del, p.Glu20758fs (NM_133378.4); c.43152del, p.Glu14386fs (NM_133432.3); c.43353del, p.Glu14453fs (NM_133437.4); short protein forms E14261fs, E14386fs, E14453fs, E20758fs, E23326fs, E21685fs.
Identifiers: ClinVar variation 2946975 (VCV002946975.3), dbSNP rs2468714832, ClinGen allele CA2740096033.